The following is an entry in ClinVar:

NM_203447.4(DOCK8):c.2606-141A>G

Gene: DOCK8 (dedicator of cytokinesis 8; plus strand). Cytogenetic location: 9p24.3.
Variant type: single nucleotide variant.
Coding change: c.2606-141A>G on transcript NM_203447.4 (MANE Select); 141 bases into the intron before coding-DNA position 2606, A replaced by G.
Molecular consequence: intron variant.
Genome position (GRCh38, 1-based): chr9:382,372, A>G. VCF-style: chr9-382372-A-G. GRCh37 (hg19) VCF-style: chr9-382372-A-G.
Other names: c.2402-141A>G (NM_001193536.2, NM_001190458.2).
Identifiers: ClinVar variation 1238964 (VCV001238964.5), dbSNP rs913702, ClinGen allele CA187819768.

ClinVar aggregate classification (germline): Benign. Review status: criteria provided, multiple submitters, no conflicts (2 of 4 stars). 2 submissions from 2 submitters: Benign (2). Last evaluated 2023-11-12.

Allele frequency attached by ClinVar (database versions not stated): TOPMed 0.99440; gnomAD 0.99479 and 0.99510; gnomAD exomes 0.99584; 1000 Genomes Project 30x 0.99750; 1000 Genomes Project 0.99780.
gnomAD v4.1: 1,172,799 of 1,177,816 alleles (100%); highest among the groups gnomAD compares: East Asian, 100%; 583,907 homozygotes.

Submissions (2):

Unidad de Genómica Garrahan, Hospital de Pediatría Garrahan
Classification: Benign. Last evaluated: 2023-11-12. Review status: criteria provided, single submitter. Criteria: ACMG Guidelines, 2015. Collection method: clinical testing. Allele origin: germline. Affected: no. Observed: 84 variant alleles.
Comment: This variant is classified as Benign based on local population frequency. This variant was detected in 88% of patients studied by a panel of primary immunodeficiencies. Number of patients: 84. Only high quality variants are reported.

GeneDx
Classification: Benign. Last evaluated: 2018-06-26. Review status: criteria provided, single submitter. Criteria: GeneDx Variant Classification Process June 2021. Collection method: clinical testing. Allele origin: germline. Affected: yes.